The following is an entry in ClinVar:

NM_001458.5(FLNC):c.897C>T (p.Thr299=)

Gene: FLNC (filamin C; plus strand). Cytogenetic location: 7q32.1.
Variant type: single nucleotide variant.
Coding change: c.897C>T on transcript NM_001458.5 (MANE Select); coding-DNA position 897, C replaced by T.
Protein change: p.Thr299=; no amino-acid change (threonine 299 retained).
Molecular consequence: synonymous variant.
Genome position (GRCh38, 1-based): chr7:128,837,683, C>T. VCF-style: chr7-128837683-C-T. GRCh37 (hg19) VCF-style: chr7-128477737-C-T.
Other names: c.897C>T, p.Thr299= (NM_001127487.2).
Identifiers: ClinVar variation 1140266 (VCV001140266.21), dbSNP rs575141899, ClinGen allele CA4474161.
Genomic context (GRCh38, chr7:128,837,683, plus strand): 5'-CTCCTGCCCCGTAGGCATCGAGCCACAGGGCAACACCGTGCTGCAGCCTGCCCACTTCAC[C>T]GTGCAGACGGTGGACGCGGGCGTGGGCGAGGTGCTGGTCTACATCGAGGACCCTGAAGGC-3'
Protein context (NP_001449.3, residues 289-309): GNTVLQPAHF[Thr299=]VQTVDAGVGE

ClinVar aggregate classification (germline): Likely benign. Review status: criteria provided, multiple submitters, no conflicts (2 of 4 stars). 5 submissions from 5 submitters: Likely benign (5). Last evaluated 2026-01-11.

Conditions:
Cardiovascular phenotype. Identifiers: MedGen CN230736.
Myofibrillar myopathy 5. Also called: Filaminopathy (type); FILAMINOPATHY, AUTOSOMAL DOMINANT. Identifiers: Orphanet 171445, MedGen C1836050, MONDO:0012289, OMIM 609524.
Hypertrophic cardiomyopathy 26. Also called: Cardiomyopathy, familial hypertrophic, 26. Identifiers: Orphanet 75249, MedGen C4310749, MONDO:0014883, OMIM 617047.
Distal myopathy with posterior leg and anterior hand involvement. Also called: WILLIAMS DISTAL MYOPATHY. Identifiers: Orphanet 63273, MedGen C3279722, MONDO:0013550, OMIM 614065.

Allele frequency attached by ClinVar (database versions not stated): ExAC 0.00002; gnomAD exomes 0.00002; gnomAD 0.00003.
gnomAD v4.1: 37 of 1,611,906 alleles (0.0023%); highest among the groups gnomAD compares: Admixed American, 0.005%; no homozygotes.

Submissions (5):

Labcorp Genetics (formerly Invitae), Labcorp
Classification: Likely benign for Distal myopathy with posterior leg and anterior hand involvement; Myofibrillar myopathy 5; Hypertrophic cardiomyopathy 26. Last evaluated: 2026-01-11. Review status: criteria provided, single submitter. Criteria: Invitae Variant Classification Sherloc (09022015). Collection method: clinical testing. Allele origin: germline.

CeGaT Center for Human Genetics Tuebingen
Classification: Likely benign. Last evaluated: 2025-08-01. Review status: criteria provided, single submitter. Criteria: CeGaT Center For Human Genetics Tuebingen Variant Classification Criteria Version 2. Collection method: clinical testing. Allele origin: germline. Affected: yes. Observed: 1 variant allele.
Comment: FLNC: BP4, BP7

Women's Health and Genetics/Laboratory Corporation of America, LabCorp
Classification: Likely benign. Last evaluated: 2024-09-24. Review status: criteria provided, single submitter. Criteria: LabCorp Variant Classification Summary - May 2015. Collection method: clinical testing. Allele origin: germline.

Blueprint Genetics
Classification: Likely benign. Last evaluated: 2024-04-10. Review status: criteria provided, single submitter. Criteria: ACMG Guidelines, 2015. Collection method: clinical testing. Allele origin: germline.

Ambry Genetics
Classification: Likely benign for Cardiovascular phenotype. Last evaluated: 2020-03-17. Review status: criteria provided, single submitter. Criteria: Ambry Variant Classification Scheme 2023. Collection method: clinical testing. Allele origin: germline.